The following is an entry in ClinVar:

NM_182943.3(PLOD2):c.652A>G (p.Ile218Val)

Gene: PLOD2 (procollagen-lysine,2-oxoglutarate 5-dioxygenase 2; minus strand). Cytogenetic location: 3q24.
Variant type: single nucleotide variant.
Coding change: c.652A>G on transcript NM_182943.3 (MANE Select); coding-DNA position 652, A replaced by G.
Protein change: p.Ile218Val; replaces isoleucine 218 with valine.
Molecular consequence: missense variant.
Genome position (GRCh38, 1-based): chr3:146,104,306, T>C on the plus strand (A>G on the coding strand, the complement: PLOD2 is on the minus strand). VCF-style: chr3-146104306-T-C. GRCh37 (hg19) VCF-style: chr3-145822093-T-C.
Other names: p.Ile218Val; c.652A>G, p.Ile218Val (NM_000935.3); short protein forms I218V.
Identifiers: ClinVar variation 281238 (VCV000281238.68), dbSNP rs145809663, ClinGen allele CA2655179.
Genomic context (GRCh38, chr3:146,104,306, plus strand): 5'-ATACGTAAGCAATCCGGTATTTAGGAAGCATACCTACAGCTCCATTTAAGGTCTGGAAAA[T>C]TTTGCATTTGTGATCCAATGTGATGTTAATAGCTTCCTAAAACATAAGAATAGAAATGAT-3'
Protein context (NP_891988.1, residues 208-228): INITLDHKCK[Ile218Val]FQTLNGAVDE

ClinVar aggregate classification (germline): Benign/Likely benign. Review status: criteria provided, multiple submitters, no conflicts (2 of 4 stars). 12 submissions from 12 submitters: Benign (4); Likely benign (5). 3 of the submissions do not count toward it. Last evaluated 2026-02-04.

Conditions:
PLOD2-related disorder. Also called: PLOD2-related condition.
Osteogenesis imperfecta (OI). Identifiers: Orphanet 666, MedGen C0029434, MeSH D010013, MONDO:0019019.
Bruck syndrome 2 (BRKS2). Also called: OSTEOGENESIS IMPERFECTA WITH CONGENITAL JOINT CONTRACTURES. Identifiers: Orphanet 2771, MedGen C1836602, MONDO:0012217, OMIM 609220.

Allele frequency attached by ClinVar (database versions not stated): 1000 Genomes Project 0.00100; 1000 Genomes Project 30x 0.00125; TOPMed 0.00313; gnomAD 0.00333 and 0.00344; ESP Exome Variant Server 0.00346; gnomAD exomes 0.00361 and 0.00462; ExAC 0.00383.
gnomAD v4.1: 7,126 of 1,595,212 alleles (0.45%); highest among the groups gnomAD compares: Non-Finnish European, 0.55%; 29 homozygotes.

Submissions (12):

Labcorp Genetics (formerly Invitae), Labcorp
Classification: Benign. Last evaluated: 2026-02-04. Review status: criteria provided, single submitter. Criteria: Invitae Variant Classification Sherloc (09022015). Collection method: clinical testing. Allele origin: germline.

CeGaT Center for Human Genetics Tuebingen
Classification: Likely benign. Last evaluated: 2025-11-01. Review status: criteria provided, single submitter. Criteria: CeGaT Center For Human Genetics Tuebingen Variant Classification Criteria Version 2. Collection method: clinical testing. Allele origin: germline. Affected: yes. Observed: 9 variant alleles.
Comment: PLOD2: BS2

Mayo Clinic Laboratories, Mayo Clinic
Classification: Benign. Last evaluated: 2025-10-21. Review status: criteria provided, single submitter. Criteria: ACMG Guidelines, 2015. Collection method: clinical testing. Allele origin: germline. Observed: 1 variant allele.
Comment: BS1, BS2, BP4_moderate

ARUP Laboratories, Molecular Genetics and Genomics, ARUP Laboratories
Classification: Likely benign for Bruck syndrome 2. Last evaluated: 2023-09-21. Review status: criteria provided, single submitter. Criteria: ARUP Molecular Germline Variant Investigation Process 2024. Collection method: clinical testing. Allele origin: germline.

Genome Diagnostics Laboratory, The Hospital for Sick Children
Classification: Likely benign for Osteogenesis imperfecta. Last evaluated: 2022-03-29. Review status: criteria provided, single submitter. Criteria: ACMG Guidelines, 2015. Collection method: clinical testing. Allele origin: germline.

GeneDx
Classification: Benign. Last evaluated: 2019-06-13. Review status: criteria provided, single submitter. Criteria: GeneDx Variant Classification Process June 2021. Collection method: clinical testing. Allele origin: germline. Affected: yes.

Illumina Laboratory Services, Illumina
Classification: Likely benign for Bruck syndrome 2. Last evaluated: 2017-04-27. Review status: criteria provided, single submitter. Criteria: ICSL Variant Classification Criteria 13 December 2019. Collection method: clinical testing. Allele origin: germline.
Comment: This variant was observed as part of a predisposition screen in an ostensibly healthy population. A literature search was performed for the gene, cDNA change, and amino acid change (where applicable). Publications were found based on this search. The evidence from the literature, in combination with allele frequency data from public databases where available, was sufficient to determine this variant is unlikely to cause disease. Therefore, this variant is classified as likely benign.

Eurofins Ntd Llc (ga)
Classification: Benign. Last evaluated: 2016-07-28. Review status: criteria provided, single submitter. Criteria: EGL Classification Definitions 2015. Collection method: clinical testing. Allele origin: germline. Observed: 3 variant alleles, 3 heterozygotes.

Breakthrough Genomics
Classification: Likely benign. Review status: criteria provided, single submitter. Criteria: ACMG Guidelines, 2015. Collection method: not provided. Allele origin: germline. Inheritance: Autosomal recessive inheritance. Affected: yes.

PreventionGenetics, part of Exact Sciences
Classification: Likely benign for PLOD2-related condition. Last evaluated: 2019-11-12. Review status: no assertion criteria provided. Collection method: clinical testing. Allele origin: germline. Not counted in ClinVar's aggregate classification.
Comment: This variant is classified as likely benign based on ACMG/AMP sequence variant interpretation guidelines (Richards et al. 2015 PMID: 25741868, with internal and published modifications).

Genome Diagnostics Laboratory, Amsterdam University Medical Center
Classification: Benign. Review status: no assertion criteria provided. Collection method: clinical testing. Allele origin: germline. Affected: yes. Study: VKGL Data-share Consensus. Not counted in ClinVar's aggregate classification.

Laboratory of Diagnostic Genome Analysis, Leiden University Medical Center (LUMC)
Classification: Likely benign. Review status: no assertion criteria provided. Collection method: clinical testing. Allele origin: germline. Affected: yes. Study: VKGL Data-share Consensus. Not counted in ClinVar's aggregate classification.

Literature cited by the submitters: PubMed 25086671 (cited by Illumina Laboratory Services, Illumina).